The following is an entry in ClinVar:

NM_181426.2(CCDC39):c.2081C>T (p.Ala694Val)

Gene: CCDC39 (coiled-coil domain 39 molecular ruler complex subunit; minus strand). Cytogenetic location: 3q26.33.
Variant type: single nucleotide variant.
Coding change: c.2081C>T on transcript NM_181426.2 (MANE Select); coding-DNA position 2081, C replaced by T.
Protein change: p.Ala694Val; replaces alanine 694 with valine.
Molecular consequence: missense variant.
Genome position (GRCh38, 1-based): chr3:180,619,888, G>A on the plus strand (C>T on the coding strand, the complement: CCDC39 is on the minus strand). VCF-style: chr3-180619888-G-A. GRCh37 (hg19) VCF-style: chr3-180337676-G-A.
Other names: short protein forms A694V.
Identifiers: ClinVar variation 835314 (VCV000835314.7), dbSNP rs1717386263, ClinGen allele CA355307265.

ClinVar aggregate classification (germline): Uncertain significance (1 of 4 stars; one submission).

Conditions:
Primary ciliary dyskinesia. Also called: Ciliary dyskinesia. Identifiers: Orphanet 244, MedGen C0008780, MONDO:0016575, HP:0012265.

Submission:

Labcorp Genetics (formerly Invitae), Labcorp
Classification: Uncertain significance for Primary ciliary dyskinesia. Last evaluated: 2021-08-26. Review status: criteria provided, single submitter. Criteria: Invitae Variant Classification Sherloc (09022015). Collection method: clinical testing. Allele origin: germline.
Comment: This sequence change replaces alanine with valine at codon 694 of the CCDC39 protein (p.Ala694Val). The alanine residue is moderately conserved and there is a small physicochemical difference between alanine and valine. This variant is not present in population databases (ExAC no frequency). This variant has not been reported in the literature in individuals affected with CCDC39-related conditions. Algorithms developed to predict the effect of missense changes on protein structure and function are either unavailable or do not agree on the potential impact of this missense change (SIFT: "Deleterious"; PolyPhen-2: "Probably Damaging"; Align-GVGD: "Class C0"). In summary, the available evidence is currently insufficient to determine the role of this variant in disease. Therefore, it has been classified as a Variant of Uncertain Significance.